The following is an entry in ClinVar:

ClinVar aggregate classification (germline): Likely benign. Review status: criteria provided, multiple submitters, no conflicts (2 of 4 stars). 2 submissions from 2 submitters: Likely benign (2). Last evaluated 2025-12-29.

Conditions:
HPS6-related disorder. Also called: HPS6-related condition.

Allele frequency attached by ClinVar (database versions not stated): ExAC 0.00001; gnomAD 0.00001; TOPMed 0.00003; gnomAD exomes 0.00006; ESP Exome Variant Server 0.00008.
gnomAD v4.1: 91 of 1,614,044 alleles (0.0056%); highest among the groups gnomAD compares: Non-Finnish European, 0.0072%; no homozygotes.

Submissions (2):

Labcorp Genetics (formerly Invitae), Labcorp
Classification: Likely benign. Last evaluated: 2025-12-29. Review status: criteria provided, single submitter. Criteria: Invitae Variant Classification Sherloc (09022015). Collection method: clinical testing. Allele origin: germline.

PreventionGenetics, part of Exact Sciences
Classification: Likely benign for HPS6-related condition. Last evaluated: 2025-07-24. Review status: criteria provided, single submitter. Criteria: ACMG Guidelines, 2015. Collection method: clinical testing. Allele origin: germline.
Comment: This variant is classified as likely benign based on ACMG/AMP sequence variant interpretation guidelines (Richards et al. 2015 PMID: 25741868, with internal and published modifications).

NM_024747.6(HPS6):c.1480C>T (p.Leu494=)

Gene: HPS6 (HPS6 biogenesis of lysosomal organelles complex 2 subunit 3; plus strand). Cytogenetic location: 10q24.32.
Variant type: single nucleotide variant.
Coding change: c.1480C>T on transcript NM_024747.6 (MANE Select); coding-DNA position 1480, C replaced by T.
Protein change: p.Leu494=; no amino-acid change (leucine 494 retained).
Molecular consequence: synonymous variant.
Genome position (GRCh38, 1-based): chr10:102,066,954, C>T. VCF-style: chr10-102066954-C-T. GRCh37 (hg19) VCF-style: chr10-103826711-C-T.
Identifiers: ClinVar variation 2419640 (VCV002419640.8), dbSNP rs138737640, ClinGen allele CA5659992.